The following is an entry in ClinVar:

ClinVar aggregate classification (germline): Uncertain significance (1 of 4 stars; one submission).

gnomAD v4.1: 27 of 1,606,330 alleles (0.0017%); highest among the groups gnomAD compares: Admixed American, 0.027%; no homozygotes.

Submission:

GeneDx
Classification: Uncertain significance. Last evaluated: 2023-11-15. Review status: criteria provided, single submitter. Criteria: GeneDx Variant Classification Process June 2021. Collection method: clinical testing. Allele origin: germline. Affected: yes.
Comment: In silico analysis supports that this missense variant does not alter protein structure/function; Has not been previously published as pathogenic or benign to our knowledge

NM_000103.4(CYP19A1):c.1160C>T (p.Pro387Leu)

Genes: CYP19A1 (cytochrome P450 family 19 subfamily A member 1; minus strand), MIR4713HG (MIR4713 host gene; plus strand), PIRC66 (piwi-interacting RNA cluster 66; plus strand). Cytogenetic location: 15q21.2.
Variant type: single nucleotide variant.
Coding change: c.1160C>T on transcript NM_000103.4 (MANE Select); coding-DNA position 1160, C replaced by T.
Protein change: p.Pro387Leu; replaces proline 387 with leucine.
Molecular consequence: missense variant.
Genome position (GRCh38, 1-based): chr15:51,212,423, G>A on the plus strand (C>T on the coding strand, the complement: CYP19A1 is on the minus strand). VCF-style: chr15-51212423-G-A. GRCh37 (hg19) VCF-style: chr15-51504620-G-A.
Other names: c.1160C>T, p.Pro387Leu (NM_001347248.1, NM_001347249.2, NM_001347250.2 and 7 more transcripts); short protein forms P387L.
Identifiers: ClinVar variation 3364351 (VCV003364351.1).